The following is an entry in ClinVar:

ClinVar aggregate classification (germline): Uncertain significance (1 of 4 stars; one submission).

Submission:

Ambry Genetics
Classification: Uncertain significance. Last evaluated: 2026-07-20. Review status: criteria provided, single submitter. Criteria: Ambry Variant Classification Scheme 2023. Collection method: clinical testing. Allele origin: germline.
Comment: The p.Y337H variant (also known as c.1009T>C), located in coding exon 5 of the PALLD gene, results from a T to C substitution at nucleotide position 1009. The tyrosine at codon 337 is replaced by histidine, an amino acid with similar properties. This amino acid position is conserved. In addition, the in silico prediction for this alteration is inconclusive. Based on the available evidence, the clinical significance of this variant remains unclear.

NM_001166108.2(PALLD):c.2521T>C (p.Tyr841His)

Genes: CBR4 (carbonyl reductase 4; minus strand), PALLD (palladin, cytoskeletal associated protein; plus strand). Cytogenetic location: 4q32.3.
Variant type: single nucleotide variant.
Coding change: c.2521T>C on transcript NM_001166108.2 (MANE Select); coding-DNA position 2521, T replaced by C.
Protein change: p.Tyr841His; replaces tyrosine 841 with histidine.
Molecular consequence: missense variant.
Genome position (GRCh38, 1-based): chr4:168,903,805, T>C. VCF-style: chr4-168903805-T-C. GRCh37 (hg19) VCF-style: chr4-169824956-T-C.
Other names: c.1324T>C, p.Tyr442His (NM_001166109.2); c.1009T>C, p.Tyr337His (NM_001166110.2); c.349T>C, p.Tyr117His (NM_001367567.1, NM_001367569.1); c.400T>C, p.Tyr134His (NM_001367568.1, NM_001367570.1); c.2470T>C, p.Tyr824His (NM_016081.4); short protein forms Y117H, Y824H, Y442H, Y841H, Y134H, Y337H.
Identifiers: ClinVar variation 5026226 (VCV005026226.1).